The following is an entry in ClinVar:

ClinVar aggregate classification (germline): Uncertain significance. Review status: criteria provided, multiple submitters, no conflicts (2 of 4 stars). 2 submissions from 2 submitters: Uncertain significance (2). Last evaluated 2025-10-11.

Conditions:
Osteogenesis imperfecta type I (OI1). Also called: Lobstein disease; Classic Non-deforming Osteogenesis Imperfecta with Blue Sclerae; Osteogenesis imperfecta type 1; Lobstein's Disease; OI, TYPE I; OSTEOGENESIS IMPERFECTA TARDA. Identifiers: Orphanet 216796, Orphanet 666, MedGen C0023931, MONDO:0008146, OMIM 166200. Disease mechanism: loss of function.

Allele frequency attached by ClinVar (database versions not stated): gnomAD 0.00001; gnomAD exomes 0.00001; TOPMed 0.00001; ExAC 0.00002.
gnomAD v4.1: 19 of 1,602,322 alleles (0.0012%); highest among the groups gnomAD compares: Non-Finnish European, 0.0015%; no homozygotes.

Submissions (2):

Labcorp Genetics (formerly Invitae), Labcorp
Classification: Uncertain significance for Osteogenesis imperfecta type I. Last evaluated: 2025-10-11. Review status: criteria provided, single submitter. Criteria: Invitae Variant Classification Sherloc (09022015). Collection method: clinical testing. Allele origin: germline.
Comment: This sequence change replaces arginine, which is basic and polar, with cysteine, which is neutral and slightly polar, at codon 685 of the COL1A1 protein (p.Arg685Cys). The frequency data for this variant in the population databases is considered unreliable, as metrics indicate poor data quality at this position in the gnomAD database. This variant has not been reported in the literature in individuals affected with COL1A1-related conditions. ClinVar contains an entry for this variant (Variation ID: 573728). Invitae Evidence Modeling of protein sequence and biophysical properties (such as structural, functional, and spatial information, amino acid conservation, physicochemical variation, residue mobility, and thermodynamic stability) indicates that this missense variant is expected to disrupt COL1A1 protein function with a positive predictive value of 95%. In summary, the available evidence is currently insufficient to determine the role of this variant in disease. Therefore, it has been classified as a Variant of Uncertain Significance.

GeneDx
Classification: Uncertain significance. Last evaluated: 2022-11-28. Review status: criteria provided, single submitter. Criteria: GeneDx Variant Classification Process June 2021. Collection method: clinical testing. Allele origin: germline. Affected: yes.
Comment: Has not been previously published as pathogenic or benign to our knowledge; Not observed at significant frequency in large population cohorts (gnomAD); Occurs in the triple helical domain at the Y position in the canonical Gly-X-Y repeat; although this variant may have an effect on normal protein folding and function, missense substitution at the Y position is not a common mechanism of disease (HGMD); In silico analysis supports that this missense variant has a deleterious effect on protein structure/function

NM_000088.4(COL1A1):c.2053C>T (p.Arg685Cys)

Gene: COL1A1 (collagen type I alpha 1 chain; minus strand). Cytogenetic location: 17q21.33.
Variant type: single nucleotide variant.
Coding change: c.2053C>T on transcript NM_000088.4 (MANE Select); coding-DNA position 2053, C replaced by T.
Protein change: p.Arg685Cys; replaces arginine 685 with cysteine.
Molecular consequence: missense variant.
Genome position (GRCh38, 1-based): chr17:50,191,862, G>A on the plus strand (C>T on the coding strand, the complement: COL1A1 is on the minus strand). VCF-style: chr17-50191862-G-A. GRCh37 (hg19) VCF-style: chr17-48269223-G-A.
Other names: short protein forms R685C.
Identifiers: ClinVar variation 573728 (VCV000573728.12), dbSNP rs764826942, ClinGen allele CA8644945.
Genomic context (GRCh38, chr17:50,191,862, plus strand): 5'-TGCCGGGAGCACCGTTGGCCCCTCGGGGACCAGCAGGACCAGGGGGACCTTGCACACCAC[G>A]CTCGCCAGGGAAACCTCTCTCGCCCTAGAAGGGAAGGACAGGGCATGTGAAGGCTGCTCT-3'
Protein context (NP_000079.2, residues 675-695): ARGERGFPGE[Arg685Cys]GVQGPPGPAG